The following is an entry in ClinVar:

ClinVar aggregate classification (germline): Uncertain significance (1 of 4 stars; one submission).

Conditions:
Facioscapulohumeral muscular dystrophy 2 (FSHD2). Also called: FACIOSCAPULOHUMERAL MUSCULAR DYSTROPHY 2, DIGENIC; FSHD2, DIGENIC; MUSCULAR DYSTROPHY, FACIOSCAPULOHUMERAL, TYPE 1B. Identifiers: Orphanet 269, MedGen C1834671, MONDO:0008031, OMIM 158901.

Allele frequency attached by ClinVar (database versions not stated): gnomAD exomes below 0.00001.
gnomAD v4.1: 4 of 1,577,906 alleles (0.00025%); highest among the groups gnomAD compares: Non-Finnish European, 0.00034%; no homozygotes.

Submission:

Labcorp Genetics (formerly Invitae), Labcorp
Classification: Uncertain significance for Facioscapulohumeral muscular dystrophy 2. Last evaluated: 2025-11-06. Review status: criteria provided, single submitter. Criteria: Invitae Variant Classification Sherloc (09022015). Collection method: clinical testing. Allele origin: germline.
Comment: This sequence change replaces threonine, which is neutral and polar, with alanine, which is neutral and non-polar, at codon 1529 of the SMCHD1 protein (p.Thr1529Ala). This variant is not present in population databases (gnomAD no frequency). This variant has not been reported in the literature in individuals affected with SMCHD1-related conditions. ClinVar contains an entry for this variant (Variation ID: 2139803). Invitae Evidence Modeling of protein sequence and biophysical properties (such as structural, functional, and spatial information, amino acid conservation, physicochemical variation, residue mobility, and thermodynamic stability) indicates that this missense variant is not expected to disrupt SMCHD1 protein function with a negative predictive value of 80%. In summary, the available evidence is currently insufficient to determine the role of this variant in disease. Therefore, it has been classified as a Variant of Uncertain Significance.

NM_015295.3(SMCHD1):c.4585A>G (p.Thr1529Ala)

Gene: SMCHD1 (structural maintenance of chromosomes flexible hinge domain containing 1; plus strand). Cytogenetic location: 18p11.32.
Variant type: single nucleotide variant.
Coding change: c.4585A>G on transcript NM_015295.3 (MANE Select); coding-DNA position 4585, A replaced by G.
Protein change: p.Thr1529Ala; replaces threonine 1529 with alanine.
Molecular consequence: missense variant.
Genome position (GRCh38, 1-based): chr18:2,763,655, A>G. VCF-style: chr18-2763655-A-G. GRCh37 (hg19) VCF-style: chr18-2763653-A-G.
Other names: short protein forms T1529A.
Identifiers: ClinVar variation 2139803 (VCV002139803.4), dbSNP rs2510139171, ClinGen allele CA401696646.
Genomic context (GRCh38, chr18:2,763,655, plus strand): 5'-TCTCATCAGTTTCTCTAATTGTTTTCCATTTTTTGTTTTAAGGATGACTACGACAACCAT[A>G]CTGGAATTGATTTGGTTGGCACTATAATAGCCACCATTAAAGGCTCTAATGAGGAAGATA-3'
Protein context (NP_056110.2, residues 1519-1539): LSITDDYDNH[Thr1529Ala]GIDLVGTIIA